The following is an entry in ClinVar:

NM_017780.4(CHD7):c.8477A>G (p.Asn2826Ser)

Gene: CHD7 (chromodomain helicase DNA binding protein 7; plus strand). Cytogenetic location: 8q12.2.
Variant type: single nucleotide variant.
Coding change: c.8477A>G on transcript NM_017780.4 (MANE Select); coding-DNA position 8477, A replaced by G.
Protein change: p.Asn2826Ser; replaces asparagine 2826 with serine.
Molecular consequence: missense variant.
Genome position (GRCh38, 1-based): chr8:60,865,416, A>G. VCF-style: chr8-60865416-A-G. GRCh37 (hg19) VCF-style: chr8-61777975-A-G.
Other names: c.2330A>G, p.Asn777Ser (NM_001316690.1); short protein forms N2826S, N777S.
Identifiers: ClinVar variation 416627 (VCV000416627.41), dbSNP rs370129047, ClinGen allele CA4761021.

ClinVar aggregate classification (germline): Benign/Likely benign. Review status: criteria provided, multiple submitters, no conflicts (2 of 4 stars). 7 submissions from 7 submitters: Benign (3); Likely benign (4). Last evaluated 2026-07-01.

Conditions:
CHARGE syndrome (CHARGE). Also called: Hittner Hirsch Kreh syndrome; CHARGE ASSOCIATION--COLOBOMA, HEART ANOMALY, CHOANAL ATRESIA, RETARDATION, GENITAL AND EAR ANOMALIES; Coloboma, heart anomaly, choanal atresia, retardation, genital and ear anomalies; CHARGE association; Hall-Hittner syndrome. Identifiers: Orphanet 138, MedGen C0265354, MONDO:0008965.
Inborn genetic diseases. Identifiers: MedGen C0950123, MeSH D030342.
Hypogonadotropic hypogonadism 5 with or without anosmia (KAL5). Also called: CHD7-Related GnRH Deficiency (Kallmann Syndrome 5); HYPOGONADOTROPIC HYPOGONADISM 5 WITH ANOSMIA; HYPOGONADOTROPHIC HYPOGONADISM 5 WITHOUT ANOSMIA. Identifiers: Orphanet 478, MedGen C3552553, MONDO:0012880, OMIM 612370. Disease mechanism: loss of function.

Allele frequency attached by ClinVar (database versions not stated): gnomAD below 0.00001 and 0.00030; TOPMed 0.00006; gnomAD exomes 0.00048 and 0.00101; ExAC 0.00105; 1000 Genomes Project 0.00160; 1000 Genomes Project 30x 0.00187.
gnomAD v4.1: 747 of 1,613,910 alleles (0.046%); highest among the groups gnomAD compares: South Asian, 0.78%; 6 homozygotes.

Submissions (7):

CeGaT Center for Human Genetics Tuebingen
Classification: Likely benign. Last evaluated: 2026-07-01. Review status: criteria provided, single submitter. Criteria: CeGaT Center For Human Genetics Tuebingen Variant Classification Criteria Version 2. Collection method: clinical testing. Allele origin: germline. Affected: yes. Observed: 2 variant alleles.
Comment: CHD7: BP4, BS1

Labcorp Genetics (formerly Invitae), Labcorp
Classification: Benign for CHARGE syndrome. Last evaluated: 2026-01-26. Review status: criteria provided, single submitter. Criteria: Invitae Variant Classification Sherloc (09022015). Collection method: clinical testing. Allele origin: germline.

Blueprint Genetics
Classification: Likely benign. Last evaluated: 2024-11-11. Review status: criteria provided, single submitter. Criteria: ACMG Guidelines, 2015. Collection method: clinical testing. Allele origin: germline.

Fulgent Genetics
Classification: Likely benign for CHD7-related CHARGE syndrome; Hypogonadotropic hypogonadism 5 with or without anosmia. Last evaluated: 2021-11-09. Review status: criteria provided, single submitter. Criteria: ACMG Guidelines, 2015. Collection method: clinical testing. Allele origin: unknown.

GeneDx
Classification: Benign. Last evaluated: 2019-04-24. Review status: criteria provided, single submitter. Criteria: GeneDx Variant Classification Process June 2021. Collection method: clinical testing. Allele origin: germline. Affected: yes.

Women's Health and Genetics/Laboratory Corporation of America, LabCorp
Classification: Benign. Last evaluated: 2019-03-05. Review status: criteria provided, single submitter. Criteria: LabCorp Variant Classification Summary - May 2015. Collection method: clinical testing. Allele origin: germline.
Comment: Variant summary: The variant, CHD7 c.8477A>G (p.Asn2826Ser) results in a conservative amino acid change in the encoded protein sequence. Four of five in-silico tools predict a benign effect of the variant on protein function. The variant allele was found at a frequency of 0.0009 in 276962 control chromosomes, predominantly at a frequency of 0.008 within the South Asian subpopulation in the gnomAD database, including 2 homozygotes. The observed variant frequency within South Asian control individuals in the gnomAD database is approximately 6400 fold of the estimated maximal expected allele frequency for a pathogenic variant in CHD7 causing Congenital Heart Disease phenotype (1.3e-06), strongly suggesting that the variant is a benign polymorphism found primarily in populations of South Asian origin. The variant, c.8477A>G has been reported in the literature in an individual affected with Tetralogy of Fallot (DAlessandro_2016). However, this report does not provide unequivocal conclusions about association of the variant with Congenital Heart Disease. To our knowledge, no experimental evidence demonstrating an impact on protein function has been reported. A ClinVar submission from a clinical diagnostic laboratory (evaluation after 2014) cites the variant as benign. Based on the evidence outlined above, the variant was classified as benign.

Ambry Genetics
Classification: Likely benign for Inborn genetic diseases. Last evaluated: 2018-06-13. Review status: criteria provided, single submitter. Criteria: Ambry Variant Classification Scheme 2023. Collection method: clinical testing. Allele origin: germline.